The following is an entry in ClinVar:

NM_017777.4(MKS1):c.798C>T (p.Asp266=)

Gene: MKS1 (MKS transition zone complex subunit 1; minus strand). Cytogenetic location: 17q22.
Variant type: single nucleotide variant.
Coding change: c.798C>T on transcript NM_017777.4 (MANE Select); coding-DNA position 798, C replaced by T.
Protein change: p.Asp266=; no amino-acid change (aspartic acid 266 retained).
Molecular consequence: synonymous variant.
Genome position (GRCh38, 1-based): chr17:58,213,042, G>A on the plus strand (C>T on the coding strand, the complement: MKS1 is on the minus strand). VCF-style: chr17-58213042-G-A. GRCh37 (hg19) VCF-style: chr17-56290403-G-A.
Other names: c.189C>T, p.Asp63= (NM_001321268.2); c.798C>T, p.Asp266= (NM_001321269.2, NM_001330397.2); c.798C>T (NM_017777.3).
Identifiers: ClinVar variation 1088852 (VCV001088852.10), dbSNP rs1968971741, ClinGen allele CA501032352.
Genomic context (GRCh38, chr17:58,213,042, plus strand): 5'-ATCCTTGAACACTCGCCGTTCCCGCTCCTCCTCCTCCGGCTGTGCGTGGGGGGAAACATT[G>A]TCGATCGTATATTTCCACAGCTCCTGCTTCTCCCCCTCCGTCTCAATCCTGTAAGGTCAA-3'
Protein context (NP_060247.2, residues 256-276): EKQELWKYTI[Asp266=]NVSPHAQPEE

ClinVar aggregate classification (germline): Likely benign. Review status: criteria provided, multiple submitters, no conflicts (2 of 4 stars). 2 submissions from 2 submitters: Likely benign (2). Last evaluated 2026-06-10.

Conditions:
MKS1-related disorder. Also called: MKS1-related disorders; MKS1-related condition. Identifiers: MedGen CN239382.
Meckel-Gruber syndrome. Also called: Dysencephalia splachnocystica; DYSENCEPHALIA SPLANCHNOCYSTICA; GRUBER SYNDROME. Identifiers: Orphanet 564, MedGen C0265215, MONDO:0018921.
Joubert syndrome. Also called: JOUBERT-BOLTSHAUSER SYNDROME; Familial aplasia of the vermis. Identifiers: Orphanet 475, MedGen C5979921, MONDO:0018772.

Allele frequency attached by ClinVar (database versions not stated): gnomAD exomes below 0.00001.
gnomAD v4.1: 6 of 1,614,098 alleles (0.00037%); highest among the groups gnomAD compares: Non-Finnish European, 0.00042%; no homozygotes.

Submissions (2):

PreventionGenetics, part of Exact Sciences
Classification: Likely benign for MKS1-related condition. Last evaluated: 2026-06-10. Review status: criteria provided, single submitter. Criteria: ACMG Guidelines, 2015. Collection method: clinical testing. Allele origin: germline.
Comment: This variant is classified as likely benign based on ACMG/AMP sequence variant interpretation guidelines (Richards et al. 2015 PMID: 25741868, with internal and published modifications).

Labcorp Genetics (formerly Invitae), Labcorp
Classification: Likely benign for Joubert syndrome; Meckel-Gruber syndrome. Last evaluated: 2019-08-23. Review status: criteria provided, single submitter. Criteria: Invitae Variant Classification Sherloc (09022015). Collection method: clinical testing. Allele origin: germline.